The following is an entry in ClinVar:

ClinVar aggregate classification (germline): Uncertain significance. Review status: criteria provided, multiple submitters, no conflicts (2 of 4 stars). 3 submissions from 3 submitters: Uncertain significance (3). Last evaluated 2026-07-23.

Conditions:
Epidermolysis bullosa simplex 5C, with pyloric atresia (EBS5C). Also called: PLEC-Related Epidermolysis Bullosa with Pyloric Atresia; Epidermolysis bullosa simplex with pyloric atresia; PLEC1-Related Epidermolysis Bullosa with Pyloric Atresia. Identifiers: Orphanet 158684, MedGen C2677349, MONDO:0012807, OMIM 612138.
Autosomal recessive limb-girdle muscular dystrophy type 2Q (LGMDR17). Also called: MUSCULAR DYSTROPHY, LIMB-GIRDLE, AUTOSOMAL RECESSIVE 17. Identifiers: Orphanet 254361, MedGen C3150989, MONDO:0013390, OMIM 613723.
Epidermolysis bullosa simplex, Ogna type (EBS5A). Also called: Pidermolysis bullosa simplex 5A, Ogna type; EPIDERMOLYSIS BULLOSA SIMPLEX 5A, OGNA TYPE. Identifiers: Orphanet 79401, MedGen C0432317, MONDO:0007555, OMIM 131950.
Epidermolysis bullosa simplex with nail dystrophy (EBS5D). Identifiers: MedGen C4225309, MONDO:0014661, OMIM 616487.
Epidermolysis bullosa simplex 5B, with muscular dystrophy (EBS5B). Also called: EPIDERMOLYSIS BULLOSA SIMPLEX AND LIMB-GIRDLE MUSCULAR DYSTROPHY; Epidermolysis bullosa simplex with muscular dystrophy. Identifiers: Orphanet 257, MedGen C2931072, MONDO:0009181, OMIM 226670.
Inborn genetic diseases. Identifiers: MedGen C0950123, MeSH D030342.

Allele frequency attached by ClinVar (database versions not stated): gnomAD exomes below 0.00001 and 0.00001; gnomAD 0.00001; TOPMed 0.00002.
gnomAD v4.1: 16 of 1,610,638 alleles (0.00099%); highest among the groups gnomAD compares: African/African-American, 0.004%; no homozygotes.

Submissions (3):

Ambry Genetics
Classification: Uncertain significance for Inborn genetic diseases. Last evaluated: 2026-07-23. Review status: criteria provided, single submitter. Criteria: Ambry Variant Classification Scheme 2023. Collection method: clinical testing. Allele origin: germline.

Labcorp Genetics (formerly Invitae), Labcorp
Classification: Uncertain significance for Autosomal recessive limb-girdle muscular dystrophy type 2Q; Epidermolysis bullosa simplex, Ogna type; Epidermolysis bullosa simplex with nail dystrophy; Epidermolysis bullosa simplex 5C, with pyloric atresia; Epidermolysis bullosa simplex 5B, with muscular dystrophy. Last evaluated: 2025-12-22. Review status: criteria provided, single submitter. Criteria: Invitae Variant Classification Sherloc (09022015). Collection method: clinical testing. Allele origin: germline.
Comment: This sequence change replaces threonine, which is neutral and polar, with methionine, which is neutral and non-polar, at codon 2204 of the PLEC protein (p.Thr2204Met). The frequency data for this variant in the population databases is considered unreliable, as metrics indicate poor data quality at this position in the gnomAD database. This variant has not been reported in the literature in individuals affected with PLEC-related conditions. ClinVar contains an entry for this variant (Variation ID: 575595). An algorithm developed to predict the effect of missense changes on protein structure and function (PolyPhen-2) suggests that this variant is likely to be disruptive. In summary, the available evidence is currently insufficient to determine the role of this variant in disease. Therefore, it has been classified as a Variant of Uncertain Significance.

Athena Diagnostics
Classification: Uncertain significance. Last evaluated: 2021-04-28. Review status: criteria provided, single submitter. Criteria: Athena Diagnostics criteria. Collection method: clinical testing. Allele origin: unknown.

NM_201384.3(PLEC):c.6530C>T (p.Thr2177Met)

Gene: PLEC (plectin; minus strand). Cytogenetic location: 8q24.3.
Variant type: single nucleotide variant.
Coding change: c.6530C>T on transcript NM_201384.3 (MANE Select); coding-DNA position 6530, C replaced by T.
Protein change: p.Thr2177Met; replaces threonine 2177 with methionine.
Molecular consequence: missense variant.
Genome position (GRCh38, 1-based): chr8:143,923,399, G>A on the plus strand (C>T on the coding strand, the complement: PLEC is on the minus strand). VCF-style: chr8-143923399-G-A. GRCh37 (hg19) VCF-style: chr8-144997567-G-A.
Other names: c.6611C>T, p.Thr2204Met (NM_000445.5); c.6488C>T, p.Thr2163Met (NM_201378.4); c.6464C>T, p.Thr2155Met (NM_201379.3); c.6941C>T, p.Thr2314Met (NM_201380.4); c.6434C>T, p.Thr2145Met (NM_201381.3); c.6530C>T, p.Thr2177Met (NM_201382.4); c.6542C>T, p.Thr2181Met (NM_201383.3); short protein forms T2145M, T2155M, T2163M, T2177M, T2181M, T2314M, T2204M.
Identifiers: ClinVar variation 575595 (VCV000575595.10), dbSNP rs1312954051, ClinGen allele CA372533564.